The following is an entry in ClinVar:

ClinVar aggregate classification (germline): Likely benign (0 of 4 stars; one submission).

Conditions:
SQSTM1-related disorder. Also called: SQSTM1-Related Disorders.

gnomAD v4.1: 3 of 1,614,090 alleles (0.00019%); highest among the groups gnomAD compares: African/African-American, 0.0013%; no homozygotes.

Submission:

PreventionGenetics, part of Exact Sciences
Classification: Likely benign for SQSTM1-related condition. Last evaluated: 2023-12-29. Review status: no assertion criteria provided. Collection method: clinical testing. Allele origin: germline.
Comment: This variant is classified as likely benign based on ACMG/AMP sequence variant interpretation guidelines (Richards et al. 2015 PMID: 25741868, with internal and published modifications).

NM_003900.5(SQSTM1):c.1257C>T (p.Thr419=)

Gene: SQSTM1 (sequestosome 1; plus strand). Cytogenetic location: 5q35.3.
Variant type: single nucleotide variant.
Coding change: c.1257C>T on transcript NM_003900.5 (MANE Select); coding-DNA position 1257, C replaced by T.
Protein change: p.Thr419=; no amino-acid change (threonine 419 retained).
Molecular consequence: synonymous variant.
Genome position (GRCh38, 1-based): chr5:179,836,527, C>T. VCF-style: chr5-179836527-C-T. GRCh37 (hg19) VCF-style: chr5-179263527-C-T.
Other names: c.1005C>T, p.Thr335= (NM_001142298.2, NM_001142299.2).
Identifiers: ClinVar variation 3353914 (VCV003353914.1).